The following is an entry in ClinVar:

NM_001376.5(DYNC1H1):c.11941+2T>A

Gene: DYNC1H1 (dynein cytoplasmic 1 heavy chain 1; plus strand). Cytogenetic location: 14q32.31.
Variant type: single nucleotide variant.
Coding change: c.11941+2T>A on transcript NM_001376.5 (MANE Select); the canonical splice donor site of the intron after coding-DNA position 11941, T replaced by A.
Molecular consequence: splice donor variant.
Genome position (GRCh38, 1-based): chr14:102,040,675, T>A. VCF-style: chr14-102040675-T-A. GRCh37 (hg19) VCF-style: chr14-102507012-T-A.
Identifiers: ClinVar variation 659685 (VCV000659685.11), dbSNP rs1595630836, ClinGen allele CA391037470.

ClinVar aggregate classification (germline): Conflicting classifications of pathogenicity. Review status: criteria provided, conflicting classifications (1 of 4 stars). 3 submissions from 3 submitters: Likely pathogenic (1); Uncertain significance (1). 1 of the submissions does not count toward it. Last evaluated 2024-08-22.

Conditions:
Lissencephaly. Also called: Lissencephaly spectrum disorders. Identifiers: Orphanet 48471, MedGen C0266463, MeSH D054082, MONDO:0018838, HP:0001339.
Charcot-Marie-Tooth disease axonal type 2O. Also called: CHARCOT-MARIE-TOOTH NEUROPATHY, AXONAL, TYPE 2O; CHARCOT-MARIE-TOOTH DISEASE, AXONAL, AUTOSOMAL DOMINANT, TYPE 2O; Charcot-Marie-Tooth Neuropathy Type 2O; Charcot-Marie-Tooth disease, axonal, type 20. Identifiers: Orphanet 284232, MedGen C3280220, MONDO:0013644, OMIM 614228.

Submissions (3):

GeneDx
Classification: Likely pathogenic. Last evaluated: 2024-08-22. Review status: criteria provided, single submitter. Criteria: GeneDx Variant Classification Process June 2021. Collection method: clinical testing. Allele origin: germline. Affected: yes.
Comment: Identified in a patient with lissencephaly, developmental delay, unsteady gait, and epilepsy in published literature (PMID: 29671837); Canonical splice site variant predicted to result in a null allele in a gene for which loss of function is a known mechanism of disease; Not observed at significant frequency in large population cohorts (gnomAD); This variant is associated with the following publications: (PMID: 36636459, 35099838, 29671837)

Labcorp Genetics (formerly Invitae), Labcorp
Classification: Uncertain significance for Charcot-Marie-Tooth disease axonal type 2O. Last evaluated: 2018-10-29. Review status: criteria provided, single submitter. Criteria: Invitae Variant Classification Sherloc (09022015). Collection method: clinical testing. Allele origin: germline.
Comment: Algorithms developed to predict the effect of sequence changes on RNA splicing suggest that this variant may disrupt the consensus splice site, but this prediction has not been confirmed by published transcriptional studies. This variant has not been reported in the literature in individuals with DYNC1H1-related disease. This variant is not present in population databases (ExAC no frequency). This sequence change affects a donor splice site in intron 64 of the DYNC1H1 gene. It is expected to disrupt RNA splicing and likely results in an absent or disrupted protein product. The current clinical and genetic evidence is not sufficient to establish whether loss-of-function variants in DYNC1H1 cause disease. In summary, the available evidence is currently insufficient to determine the role of this variant in disease. Therefore, it has been classified as a Variant of Uncertain Significance.

University of Washington Center for Mendelian Genomics, University of Washington
Classification: Likely pathogenic for lissencephaly. Review status: no assertion criteria provided. Collection method: research. Allele origin: unknown. Affected: yes. Not counted in ClinVar's aggregate classification.

Literature cited by the submitters: PubMed 29671837 (cited by University of Washington Center for Mendelian Genomics, University of Washington).